The following is an entry in ClinVar:

NM_145290.4(ADGRA3):c.3427A>T (p.Thr1143Ser)

Gene: ADGRA3 (adhesion G protein-coupled receptor A3; minus strand). Cytogenetic location: 4p15.2.
Variant type: single nucleotide variant.
Coding change: c.3427A>T on transcript NM_145290.4 (MANE Select); coding-DNA position 3427, A replaced by T.
Protein change: p.Thr1143Ser; replaces threonine 1143 with serine.
Molecular consequence: missense variant.
Genome position (GRCh38, 1-based): chr4:22,388,244, T>A on the plus strand (A>T on the coding strand, the complement: ADGRA3 is on the minus strand). VCF-style: chr4-22388244-T-A. GRCh37 (hg19) VCF-style: chr4-22389867-T-A.
Other names: c.3427A>T (NM_145290.2); short protein forms T1143S.
Identifiers: ClinVar variation 858767 (VCV000858767.9), dbSNP rs143592195, ClinGen allele CA2873371.
Genomic context (GRCh38, chr4:22,388,244, plus strand): 5'-GAAACTGAACTTCTAAAGGCGCCACGTGCATTTTAATATCATTGTCCATTGAATGTTCTG[T>A]CAGACTATTATCAAGCTGAGGGGTGGAGTTCAAAGGTAAAGAATTGGCATGGCACTGAGC-3'
Protein context (NP_660333.2, residues 1133-1153): NSTPQLDNSL[Thr1143Ser]EHSMDNDIKM

ClinVar aggregate classification (germline): Uncertain significance. Review status: criteria provided, multiple submitters, no conflicts (2 of 4 stars). 2 submissions from 2 submitters: Uncertain significance (2). Last evaluated 2025-08-26.

Allele frequency attached by ClinVar (database versions not stated): ExAC 0.00003; ESP Exome Variant Server 0.00008; gnomAD 0.00016; TOPMed 0.00020; 1000 Genomes Project 30x 0.00047; 1000 Genomes Project 0.00060.
gnomAD v4.1: 57 of 1,614,052 alleles (0.0035%); highest among the groups gnomAD compares: African/African-American, 0.072%; no homozygotes.

Submissions (2):

Ambry Genetics
Classification: Uncertain significance. Last evaluated: 2025-08-26. Review status: criteria provided, single submitter. Criteria: Ambry Variant Classification Scheme 2023. Collection method: clinical testing. Allele origin: germline.

Labcorp Genetics (formerly Invitae), Labcorp
Classification: Uncertain significance. Last evaluated: 2025-07-23. Review status: criteria provided, single submitter. Criteria: Invitae Variant Classification Sherloc (09022015). Collection method: clinical testing. Allele origin: germline.
Comment: This sequence change replaces threonine, which is neutral and polar, with serine, which is neutral and polar, at codon 1143 of the ADGRA3 protein (p.Thr1143Ser). This variant is present in population databases (rs143592195, gnomAD 0.07%), and has an allele count higher than expected for a pathogenic variant. This variant has not been reported in the literature in individuals affected with ADGRA3-related conditions. ClinVar contains an entry for this variant (Variation ID: 858767). An algorithm developed to predict the effect of missense changes on protein structure and function (PolyPhen-2) suggests that this variant is likely to be disruptive. In summary, the available evidence is currently insufficient to determine the role of this variant in disease. Therefore, it has been classified as a Variant of Uncertain Significance.